The following is an entry in ClinVar:

ClinVar aggregate classification (germline): Pathogenic. Review status: criteria provided, multiple submitters, no conflicts (2 of 4 stars). 3 submissions from 3 submitters: Pathogenic (3). Last evaluated 2025-01-27.

Conditions:
Duchenne muscular dystrophy (DMD). Also called: MUSCULAR DYSTROPHY, PSEUDOHYPERTROPHIC PROGRESSIVE, DUCHENNE TYPE; Duchenne Muscular Dystrophy (DMD). Identifiers: Orphanet 98896, MedGen C0013264, MONDO:0010679, OMIM 310200.

Submissions (3):

Labcorp Genetics (formerly Invitae), Labcorp
Classification: Pathogenic for Duchenne muscular dystrophy. Last evaluated: 2025-01-27. Review status: criteria provided, single submitter. Criteria: Invitae Variant Classification Sherloc (09022015). Collection method: clinical testing. Allele origin: germline.
Comment: This sequence change creates a premature translational stop signal (p.Lys2328*) in the DMD gene. It is expected to result in an absent or disrupted protein product. Loss-of-function variants in DMD are known to be pathogenic (PMID: 16770791, 25007885). This variant is not present in population databases (gnomAD no frequency). This variant has not been reported in the literature in individuals affected with DMD-related conditions. ClinVar contains an entry for this variant (Variation ID: 197593). For these reasons, this variant has been classified as Pathogenic.

Revvity Omics, Revvity
Classification: Pathogenic. Last evaluated: 2021-06-15. Review status: criteria provided, single submitter. Criteria: ACMG Guidelines, 2015. Collection method: clinical testing. Allele origin: germline.

Eurofins Ntd Llc (ga)
Classification: Pathogenic. Last evaluated: 2014-06-12. Review status: criteria provided, single submitter. Criteria: EGL Classification Definitions 2015. Collection method: clinical testing. Allele origin: germline. Observed: 1 variant allele, 1 hemizygote.

Literature cited by the submitters: PubMed 16770791 (cited by Labcorp Genetics (formerly Invitae), Labcorp); PubMed 25007885 (cited by Labcorp Genetics (formerly Invitae), Labcorp).

NM_004006.3(DMD):c.6982A>T (p.Lys2328Ter)

Gene: DMD (dystrophin; minus strand). Cytogenetic location: Xp21.1.
Variant type: single nucleotide variant.
Coding change: c.6982A>T on transcript NM_004006.3 (MANE Select); coding-DNA position 6982, A replaced by T.
Protein change: p.Lys2328Ter; replaces lysine 2328 with a stop codon.
Molecular consequence: nonsense. On other transcripts: 5 prime UTR variant (5).
Genome position (GRCh38, 1-based): chrX:31,875,304, T>A on the plus strand (A>T on the coding strand, the complement: DMD is on the minus strand). VCF-style: chrX-31875304-T-A. GRCh37 (hg19) VCF-style: chrX-31893421-T-A.
Other names: c.6958A>T, p.Lys2320Ter (NM_000109.4); c.6970A>T, p.Lys2324Ter (NM_004009.3); c.6613A>T, p.Lys2205Ter (NM_004010.3); c.2959A>T, p.Lys987Ter (NM_004011.4); c.2950A>T, p.Lys984Ter (NM_004012.4); c.-399A>T (NM_004013.3, NM_004020.4, NM_004021.3 and 2 more transcripts); short protein forms K2328*, K2320*, K984*, K2205*, K2324*, K987*.
Identifiers: ClinVar variation 197593 (VCV000197593.10), dbSNP rs754896795, ClinGen allele CA275285.